The following is an entry in ClinVar:

ClinVar aggregate classification (germline): Uncertain significance. Review status: criteria provided, multiple submitters, no conflicts (2 of 4 stars). 8 submissions from 8 submitters: Uncertain significance (6). 2 of the submissions do not count toward it. Last evaluated 2025-12-30.

Conditions:
Inborn genetic diseases. Identifiers: MedGen C0950123, MeSH D030342.
Amyotrophic lateral sclerosis type 1 (ALS1). Also called: AMYOTROPHIC LATERAL SCLEROSIS 1, FAMILIAL. Identifiers: Orphanet 803, MedGen C1862939, MONDO:0007103, OMIM 105400.
Perry syndrome. Also called: PARKINSONISM WITH ALVEOLAR HYPOVENTILATION AND MENTAL DEPRESSION. Identifiers: Orphanet 178509, MedGen C1868594, MONDO:0008201, OMIM 168605.
Neuronopathy, distal hereditary motor, type 7B. Also called: Distal Hereditary Motor Neuronopathy Type 7B (dHMN7B); HMN VIIB; LOWER MOTOR NEURON DISEASE, DYNACTIN TYPE; NEURONOPATHY, DISTAL HEREDITARY MOTOR, AUTOSOMAL DOMINANT 14; NEURONOPATHY, DISTAL HEREDITARY MOTOR, HARDING TYPE VIIB; NEUROPATHY, DISTAL HEREDITARY MOTOR, HARDING TYPE VIIB. Identifiers: Orphanet 139589, MedGen C1843315, MONDO:0011879, OMIM 607641.

Allele frequency attached by ClinVar (database versions not stated): ExAC 0.00001; TOPMed 0.00002; gnomAD 0.00003.
gnomAD v4.1: 35 of 1,614,054 alleles (0.0022%); highest among the groups gnomAD compares: Admixed American, 0.01%; no homozygotes.

Submissions (8):

Ambry Genetics
Classification: Uncertain significance for Inborn genetic diseases. Last evaluated: 2025-12-30. Review status: criteria provided, single submitter. Criteria: Ambry Variant Classification Scheme 2023. Collection method: clinical testing. Allele origin: germline.
Comment: The c.1595G>A (p.R532Q) alteration is located in exon 15 (coding exon 15) of the DCTN1 gene. This alteration results from a G to A substitution at nucleotide position 1595, causing the arginine (R) at amino acid position 532 to be replaced by a glutamine (Q). Based on data from gnomAD, the A allele has an overall frequency of 0.001% (3/282860) total alleles studied. The highest observed frequency was 0.006% (2/35432) of Latino alleles. Based on insufficient or conflicting evidence, the clinical significance of this alteration remains unclear.

Labcorp Genetics (formerly Invitae), Labcorp
Classification: Uncertain significance for Amyotrophic lateral sclerosis type 1; Neuronopathy, distal hereditary motor, type 7B; Perry syndrome. Last evaluated: 2025-02-16. Review status: criteria provided, single submitter. Criteria: Invitae Variant Classification Sherloc (09022015). Collection method: clinical testing. Allele origin: germline.
Comment: This sequence change replaces arginine, which is basic and polar, with glutamine, which is neutral and polar, at codon 532 of the DCTN1 protein (p.Arg532Gln). This variant is present in population databases (rs759306485, gnomAD 0.006%). This variant has not been reported in the literature in individuals affected with DCTN1-related conditions. ClinVar contains an entry for this variant (Variation ID: 579780). Invitae Evidence Modeling of protein sequence and biophysical properties (such as structural, functional, and spatial information, amino acid conservation, physicochemical variation, residue mobility, and thermodynamic stability) indicates that this missense variant is not expected to disrupt DCTN1 protein function with a negative predictive value of 95%. In summary, the available evidence is currently insufficient to determine the role of this variant in disease. Therefore, it has been classified as a Variant of Uncertain Significance.

Mayo Clinic Laboratories, Mayo Clinic
Classification: Uncertain significance. Last evaluated: 2024-11-01. Review status: criteria provided, single submitter. Criteria: ACMG Guidelines, 2015. Collection method: clinical testing. Allele origin: germline. Observed: 2 variant alleles.

Blueprint Genetics
Classification: Uncertain significance. Last evaluated: 2024-02-01. Review status: criteria provided, single submitter. Criteria: ACMG Guidelines, 2015. Collection method: clinical testing. Allele origin: germline.

ARUP Laboratories, Molecular Genetics and Genomics, ARUP Laboratories
Classification: Uncertain significance. Last evaluated: 2023-11-02. Review status: criteria provided, single submitter. Criteria: ARUP Molecular Germline Variant Investigation Process 2024. Collection method: clinical testing. Allele origin: germline.
Comment: The DCTN1 c.1595G>A; p.Arg532Gln variant (rs759306485), to our knowledge, is not reported in the medical literature but is reported in ClinVar (Variation ID: 579780). This variant is found in the general population with an overall allele frequency of 0.001% (3/282,860 alleles) in the Genome Aggregation Database. Computational analyses are uncertain whether this variant is neutral or deleterious (REVEL: 0.466). Due to limited information, the clinical significance of this variant is uncertain at this time.

CeGaT Center for Human Genetics Tuebingen
Classification: Uncertain significance. Last evaluated: 2019-07-01. Review status: criteria provided, single submitter. Criteria: CeGaT Center For Human Genetics Tuebingen Variant Classification Criteria Version 2. Collection method: clinical testing. Allele origin: germline. Affected: yes. Observed: 2 variant alleles.

Clinical Genetics DNA and cytogenetics Diagnostics Lab, Erasmus MC, Erasmus Medical Center
Classification: Uncertain significance. Review status: no assertion criteria provided. Collection method: clinical testing. Allele origin: germline. Affected: yes. Study: VKGL Data-share Consensus. Not counted in ClinVar's aggregate classification.

Joint Genome Diagnostic Labs from Nijmegen and Maastricht, Radboudumc and MUMC+
Classification: Uncertain significance. Review status: no assertion criteria provided. Collection method: clinical testing. Allele origin: germline. Affected: yes. Study: VKGL Data-share Consensus. Not counted in ClinVar's aggregate classification.

NM_004082.5(DCTN1):c.1595G>A (p.Arg532Gln)

Gene: DCTN1 (dynactin subunit 1; minus strand). Cytogenetic location: 2p13.1.
Variant type: single nucleotide variant.
Coding change: c.1595G>A on transcript NM_004082.5 (MANE Select); coding-DNA position 1595, G replaced by A.
Protein change: p.Arg532Gln; replaces arginine 532 with glutamine.
Molecular consequence: missense variant. On other transcripts: non-coding transcript variant (1).
Genome position (GRCh38, 1-based): chr2:74,369,204, C>T on the plus strand (G>A on the coding strand, the complement: DCTN1 is on the minus strand). VCF-style: chr2-74369204-C-T. GRCh37 (hg19) VCF-style: chr2-74596331-C-T.
Other names: p.Arg532Gln; c.1535G>A, p.Arg512Gln (NM_001135040.3); c.1193G>A, p.Arg398Gln (NM_001135041.3, NM_023019.4); c.1484G>A, p.Arg495Gln (NM_001190836.2); c.1574G>A, p.Arg525Gln (NM_001190837.2); c.1544G>A, p.Arg515Gln (NM_001378991.1); c.1526G>A, p.Arg509Gln (NM_001378992.1); short protein forms R398Q, R532Q, R495Q, R512Q, R525Q, R509Q, R515Q.
Identifiers: ClinVar variation 579780 (VCV000579780.54), dbSNP rs759306485, ClinGen allele CA1722093.
Genomic context (GRCh38, chr2:74,369,204, plus strand): 5'-GTCTCTGGAGGTGGCTGCTGTTGCCTCTCCACAGATGCTTCCTGCTGGTTTGTCAGTTCC[C>T]GATTCACATCCTAGGAGGAGAGACAGTGAAGCACAGCTGGGTCATAAGGAAGCCCTGGGG-3'
Protein context (NP_004073.2, residues 522-542): QLTAHLQDVN[Arg532Gln]ELTNQQEASV